The following is an entry in ClinVar:

NM_020919.4(ALS2):c.2979+8T>C

Gene: ALS2 (alsin Rho guanine nucleotide exchange factor ALS2; minus strand). Cytogenetic location: 2q33.1.
Variant type: single nucleotide variant.
Coding change: c.2979+8T>C on transcript NM_020919.4 (MANE Select); 8 bases into the intron after coding-DNA position 2979, T replaced by C.
Molecular consequence: intron variant.
Genome position (GRCh38, 1-based): chr2:201,727,204, A>G on the plus strand (T>C on the coding strand, the complement: ALS2 is on the minus strand). VCF-style: chr2-201727204-A-G. GRCh37 (hg19) VCF-style: chr2-202591927-A-G.
Identifiers: ClinVar variation 698907 (VCV000698907.16), dbSNP rs373602123, ClinGen allele CA2058028.

ClinVar aggregate classification (germline): Conflicting classifications of pathogenicity. Review status: criteria provided, conflicting classifications (1 of 4 stars). 5 submissions from 5 submitters: Uncertain significance (1); Likely benign (4). Last evaluated 2026-07-01.

Conditions:
ALS2-related disorder. Also called: ALS2-Related Spectrum Disorders; ALS2-related condition; ALS2-related disorders. Identifiers: MedGen CN169291.
Hereditary spastic paraplegia. Also called: Familial spastic paraparesis. Identifiers: Orphanet 685, MedGen C0037773, MONDO:0019064. Disease mechanism: loss of function.
Infantile-onset ascending hereditary spastic paralysis (IAHSP). Also called: Infantile-Onset Ascending Hereditary Spastic Paralysis (IAHSP); Autosomal Recessive Juvenile Amyotrophic Lateral Sclerosis. Identifiers: Orphanet 293168, MedGen C2931441, MONDO:0011797, OMIM 607225. Disease mechanism: loss of function.

Allele frequency attached by ClinVar (database versions not stated): ExAC 0.00007; gnomAD exomes 0.00007 and 0.00028; TOPMed 0.00015; gnomAD 0.00017 and 0.00019; ESP Exome Variant Server 0.00042.
gnomAD v4.1: 434 of 1,608,492 alleles (0.027%); highest among the groups gnomAD compares: Non-Finnish European, 0.035%; 1 homozygote.

Submissions (5):

CeGaT Center for Human Genetics Tuebingen
Classification: Likely benign. Last evaluated: 2026-07-01. Review status: criteria provided, single submitter. Criteria: CeGaT Center For Human Genetics Tuebingen Variant Classification Criteria Version 2. Collection method: clinical testing. Allele origin: germline. Affected: yes. Observed: 1 variant allele.
Comment: ALS2: BP4

Labcorp Genetics (formerly Invitae), Labcorp
Classification: Likely benign for Infantile-onset ascending hereditary spastic paralysis. Last evaluated: 2025-11-11. Review status: criteria provided, single submitter. Criteria: Invitae Variant Classification Sherloc (09022015). Collection method: clinical testing. Allele origin: germline.

PreventionGenetics, part of Exact Sciences
Classification: Likely benign for ALS2-related condition. Last evaluated: 2025-06-10. Review status: criteria provided, single submitter. Criteria: ACMG Guidelines, 2015. Collection method: clinical testing. Allele origin: germline.
Comment: This variant is classified as likely benign based on ACMG/AMP sequence variant interpretation guidelines (Richards et al. 2015 PMID: 25741868, with internal and published modifications).

Athena Diagnostics
Classification: Likely benign. Last evaluated: 2023-10-02. Review status: criteria provided, single submitter. Criteria: Athena Diagnostics Criteria. Collection method: clinical testing. Allele origin: unknown.

Genome Diagnostics Laboratory, The Hospital for Sick Children
Classification: Uncertain significance for Hereditary spastic paraplegia. Last evaluated: 2018-10-01. Review status: criteria provided, single submitter. Criteria: ACMG Guidelines, 2015. Collection method: clinical testing. Allele origin: germline. Affected: yes.